The following is an entry in ClinVar:

NM_001127715.4(STXBP5):c.3236A>T (p.Gln1079Leu)

Gene: STXBP5 (syntaxin binding protein 5; plus strand). Cytogenetic location: 6q24.3.
Variant type: single nucleotide variant.
Coding change: c.3236A>T on transcript NM_001127715.4 (MANE Select); coding-DNA position 3236, A replaced by T.
Protein change: p.Gln1079Leu; replaces glutamine 1079 with leucine.
Molecular consequence: missense variant.
Genome position (GRCh38, 1-based): chr6:147,382,820, A>T. VCF-style: chr6-147382820-A-T. GRCh37 (hg19) VCF-style: chr6-147703956-A-T.
Other names: c.3188A>T, p.Gln1063Leu (NM_001394409.1); c.3128A>T, p.Gln1043Leu (NM_139244.6); short protein forms Q1079L, Q1043L, Q1063L.
Identifiers: ClinVar variation 722373 (VCV000722373.6), dbSNP rs114079575, ClinGen allele CA4039487.

ClinVar aggregate classification (germline): Likely benign. Review status: criteria provided, multiple submitters, no conflicts (2 of 4 stars). 3 submissions from 3 submitters: Likely benign (2). 1 of the submissions does not count toward it. Last evaluated 2018-04-10.

Conditions:
STXBP5-related disorder. Also called: STXBP5-related condition.

Allele frequency attached by ClinVar (database versions not stated): gnomAD exomes 0.00017 and 0.00049; ExAC 0.00058; 1000 Genomes Project 30x 0.00156; ESP Exome Variant Server 0.00169; gnomAD 0.00178 and 0.00193; 1000 Genomes Project 0.00180; TOPMed 0.00186.
gnomAD v4.1: 529 of 1,613,604 alleles (0.033%); highest among the groups gnomAD compares: African/African-American, 0.61%; 1 homozygote.

Submissions (3):

Labcorp Genetics (formerly Invitae), Labcorp
Classification: Likely benign. Last evaluated: 2018-04-10. Review status: criteria provided, single submitter. Criteria: Invitae Variant Classification Sherloc (09022015). Collection method: clinical testing. Allele origin: germline.

Breakthrough Genomics
Classification: Likely benign. Review status: criteria provided, single submitter. Criteria: ACMG Guidelines, 2015. Collection method: not provided. Allele origin: germline. Inheritance: Unknown mechanism. Affected: yes.

PreventionGenetics, part of Exact Sciences
Classification: Likely benign for STXBP5-related condition. Last evaluated: 2021-03-15. Review status: no assertion criteria provided. Collection method: clinical testing. Allele origin: germline. Not counted in ClinVar's aggregate classification.
Comment: This variant is classified as likely benign based on ACMG/AMP sequence variant interpretation guidelines (Richards et al. 2015 PMID: 25741868, with internal and published modifications).